The following is an entry in ClinVar:

ClinVar aggregate classification (germline): Pathogenic/Likely pathogenic. Review status: criteria provided, multiple submitters, no conflicts (2 of 4 stars). 2 submissions from 2 submitters: Pathogenic (1); Likely pathogenic (1). Last evaluated 2021-07-21.

Conditions:
Familial hypokalemia-hypomagnesemia (GTLMNS). Also called: gitelman syndrome; HYPOMAGNESEMIA-HYPOKALEMIA, PRIMARY RENOTUBULAR, WITH HYPOCALCIURIA; POTASSIUM AND MAGNESIUM DEPLETION. Identifiers: Orphanet 358, MedGen C0268450, MONDO:0009904, OMIM 263800.

Allele frequency attached by ClinVar (database versions not stated): gnomAD exomes below 0.00001; ExAC 0.00001.

Submissions (2):

Fulgent Genetics
Classification: Likely pathogenic for Familial hypokalemia-hypomagnesemia. Last evaluated: 2021-07-21. Review status: criteria provided, single submitter. Criteria: ACMG Guidelines, 2015. Collection method: clinical testing. Allele origin: unknown.

Labcorp Genetics (formerly Invitae), Labcorp
Classification: Pathogenic. Last evaluated: 2021-07-21. Review status: criteria provided, single submitter. Criteria: Invitae Variant Classification Sherloc (09022015). Collection method: clinical testing. Allele origin: germline.
Comment: This sequence change creates a premature translational stop signal (p.Glu30*) in the SLC12A3 gene. It is expected to result in an absent or disrupted protein product. Loss-of-function variants in SLC12A3 are known to be pathogenic (PMID: 20848653, 22009145, 25841442). This variant is present in population databases (rs751675724, ExAC 0.002%). This variant has not been reported in the literature in individuals affected with SLC12A3-related conditions. For these reasons, this variant has been classified as Pathogenic.

Literature cited by the submitters: PubMed 20848653 (cited by Labcorp Genetics (formerly Invitae), Labcorp); PubMed 22009145 (cited by Labcorp Genetics (formerly Invitae), Labcorp); PubMed 25841442 (cited by Labcorp Genetics (formerly Invitae), Labcorp).

NM_001126108.2(SLC12A3):c.88G>T (p.Glu30Ter)

Gene: SLC12A3 (solute carrier family 12 member 3; plus strand). Cytogenetic location: 16q13.
Variant type: single nucleotide variant.
Coding change: c.88G>T on transcript NM_001126108.2 (MANE Select); coding-DNA position 88, G replaced by T.
Protein change: p.Glu30Ter; replaces glutamic acid 30 with a stop codon.
Molecular consequence: nonsense.
Genome position (GRCh38, 1-based): chr16:56,865,323, G>T. VCF-style: chr16-56865323-G-T. GRCh37 (hg19) VCF-style: chr16-56899235-G-T.
Other names: c.88G>T, p.Glu30Ter (NM_000339.3, NM_001126107.2); short protein forms E30*.
Identifiers: ClinVar variation 1385271 (VCV001385271.8), dbSNP rs751675724, ClinGen allele CA8068909.
Genomic context (GRCh38, chr16:56,865,323, plus strand): 5'-CCTGGGGACGCCACTTTGTGCAGCGGGCGCTTCACCATCAGCACACTGCTGAGCAGTGAT[G>T]AGCCCTCTCCACCAGCTGCCTATGACAGCAGCCACCCCAGCCACCTGACCCACAGCAGCA-3'